The following is an entry in ClinVar:

NM_001370259.2(MEN1):c.760C>T (p.Leu254=)

Gene: MEN1 (menin 1; minus strand). Cytogenetic location: 11q13.1.
Variant type: single nucleotide variant.
Coding change: c.760C>T on transcript NM_001370259.2 (MANE Select); coding-DNA position 760, C replaced by T.
Protein change: p.Leu254=; no amino-acid change (leucine 254 retained).
Molecular consequence: synonymous variant.
Genome position (GRCh38, 1-based): chr11:64,807,575, G>A on the plus strand (C>T on the coding strand, the complement: MEN1 is on the minus strand). VCF-style: chr11-64807575-G-A. GRCh37 (hg19) VCF-style: chr11-64575047-G-A.
Other names: c.775C>T, p.Leu259= (NM_000244.4, NM_130800.3, NM_130801.3 and 3 more transcripts); c.760C>T, p.Leu254= (NM_001370251.2, NM_001370260.2, NM_001370261.2 and 1 more transcripts); c.655C>T, p.Leu219= (NM_001370262.2, NM_001370263.2).
Identifiers: ClinVar variation 718125 (VCV000718125.17), dbSNP rs1194394888, ClinGen allele CA474983758.

ClinVar aggregate classification (germline): Benign/Likely benign. Review status: criteria provided, multiple submitters, no conflicts (2 of 4 stars). 4 submissions from 4 submitters: Benign (1); Likely benign (3). Last evaluated 2025-10-14.

Conditions:
Multiple endocrine neoplasia, type 1 (MEN1). Also called: MEA I; Endocrine adenomatosis multiple; MEN 1; MEN I; WERMER SYNDROME. Identifiers: Orphanet 652, MedGen C0025267, MeSH D018761, MONDO:0007540, OMIM 131100.
Hereditary cancer-predisposing syndrome. Also called: Hereditary neoplastic syndrome; Neoplastic Syndromes, Hereditary; Tumor predisposition; Hereditary Cancer Syndrome. Identifiers: Orphanet 140162, MedGen C0027672, MeSH D009386, MONDO:0015356.

Allele frequency attached by ClinVar (database versions not stated): gnomAD exomes below 0.00001; gnomAD 0.00003; TOPMed 0.00003.

Submissions (4):

Labcorp Genetics (formerly Invitae), Labcorp
Classification: Likely benign for Multiple endocrine neoplasia, type 1. Last evaluated: 2025-10-14. Review status: criteria provided, single submitter. Criteria: Invitae Variant Classification Sherloc (09022015). Collection method: clinical testing. Allele origin: germline.

Myriad Genetics, Inc.
Classification: Benign for Multiple endocrine neoplasia, type 1. Last evaluated: 2024-11-01. Review status: criteria provided, single submitter. Criteria: Myriad Autosomal Dominant, Autosomal Recessive and X-Linked Classification Criteria (2023). Collection method: clinical testing. Allele origin: unknown.
Comment: This variant is considered benign. This variant is a silent/synonymous amino acid change and it is not expected to impact splicing.

Sema4
Classification: Likely benign for Hereditary cancer-predisposing syndrome. Last evaluated: 2022-02-14. Review status: criteria provided, single submitter. Criteria: Sema4 Curation Guidelines. Collection method: curation. Allele origin: germline.

Ambry Genetics
Classification: Likely benign for Hereditary cancer-predisposing syndrome. Last evaluated: 2019-04-04. Review status: criteria provided, single submitter. Criteria: Ambry Variant Classification Scheme 2023. Collection method: clinical testing. Allele origin: germline.